The following is an entry in ClinVar:

NM_013436.5(NCKAP1):c.2672C>G (p.Ala891Gly)

Gene: NCKAP1 (NCK associated protein 1; minus strand). Cytogenetic location: 2q32.1.
Variant type: single nucleotide variant.
Coding change: c.2672C>G on transcript NM_013436.5 (MANE Select); coding-DNA position 2672, C replaced by G.
Protein change: p.Ala891Gly; replaces alanine 891 with glycine.
Molecular consequence: missense variant.
Genome position (GRCh38, 1-based): chr2:182,942,093, G>C on the plus strand (C>G on the coding strand, the complement: NCKAP1 is on the minus strand). VCF-style: chr2-182942093-G-C. GRCh37 (hg19) VCF-style: chr2-183806821-G-C.
Other names: c.2666C>G, p.Ala889Gly (NM_001437266.1); c.2684C>G, p.Ala895Gly (NM_001437267.1); c.2690C>G, p.Ala897Gly (NM_205842.3); short protein forms A889G, A891G, A895G, A897G.
Identifiers: ClinVar variation 4975087 (VCV004975087.1).
Genomic context (GRCh38, chr2:182,942,093, plus strand): 5'-CTTCTTATGTTTATAAAAAGTATCATGAGTTACCCACATGATAATCTTTTAAACAGTGCA[G>C]CCATCTGGTCTGGTTTGTCAAAGCTGGTCCTCATTTGTGTTAACACATCAACATTCTCCA-3'
Protein context (NP_038464.1, residues 881-901): RTSFDKPDQM[Ala891Gly]ALFKRLSSVD

ClinVar aggregate classification (germline): Uncertain significance (1 of 4 stars; one submission).

Submission:

GeneDx
Classification: Uncertain significance. Last evaluated: 2026-02-23. Review status: criteria provided, single submitter. Criteria: GeneDx Variant Classification Process June 2021. Collection method: clinical testing. Allele origin: germline.
Comment: Not observed at significant frequency in large population cohorts (gnomAD); In silico analysis indicates that this missense variant does not alter protein structure/function; Has not been previously published as pathogenic or benign to our knowledge